The following is an entry in ClinVar:

ClinVar aggregate classification (germline): Uncertain significance (0 of 4 stars; one submission).

Allele frequency attached by ClinVar (database versions not stated): ExAC 0.00001; gnomAD exomes 0.00001 and 0.00002; TOPMed 0.00002.
gnomAD v4.1: 20 of 1,611,518 alleles (0.0012%); highest among the groups gnomAD compares: Admixed American, 0.005%; no homozygotes.

Submission:

Department of Pathology and Laboratory Medicine, Sinai Health System
Classification: Uncertain significance. Review status: no assertion criteria provided. Collection method: clinical testing. Allele origin: unknown. Affected: yes. Study: The Canadian Open Genetics Repository (COGR).
Comment: The ASPM p.Arg977His variant was not identified in the literature nor was it identified in ClinVar, Cosmic or LOVD 3.0. The variant was identified in dbSNP (ID: rs767547880) and in control databases in 5 of 251376 chromosomes at a frequency of 0.00002 (Genome Aggregation Database Feb 27, 2017). The variant was observed in the following populations: Latino in 3 of 34590 chromosomes (freq: 0.000087) and European (non-Finnish) in 2 of 113676 chromosomes (freq: 0.000018), but not observed in the African, Ashkenazi Jewish, East Asian, European (Finnish), Other and South Asian populations. The p.Arg977 residue is conserved in mammals and computational analyses (PolyPhen-2, SIFT, AlignGVGD, BLOSUM, MutationTaster) provide inconsistent predictions regarding the impact to the protein; this information is not very predictive of pathogenicity. The variant occurs outside of the splicing consensus sequence and in silico or computational prediction software programs (SpliceSiteFinder, MaxEntScan, NNSPLICE, GeneSplicer) do not predict a difference in splicing. In summary, based on the above information the clinical significance of this variant cannot be determined with certainty at this time. This variant is classified as a variant of uncertain significance.

NM_018136.5(ASPM):c.2930G>A (p.Arg977His)

Gene: ASPM (assembly factor for spindle microtubules; minus strand). Cytogenetic location: 1q31.3.
Variant type: single nucleotide variant.
Coding change: c.2930G>A on transcript NM_018136.5 (MANE Select); coding-DNA position 2930, G replaced by A.
Protein change: p.Arg977His; replaces arginine 977 with histidine.
Molecular consequence: missense variant.
Genome position (GRCh38, 1-based): chr1:197,128,496, C>T on the plus strand (G>A on the coding strand, the complement: ASPM is on the minus strand). VCF-style: chr1-197128496-C-T. GRCh37 (hg19) VCF-style: chr1-197097626-C-T.
Other names: c.2930G>A, p.Arg977His (NM_001206846.2); short protein forms R977H.
Identifiers: ClinVar variation 1049534 (VCV001049534.1), dbSNP rs767547880, ClinGen allele CA1310320.